The following is an entry in ClinVar:

NM_001018005.2(TPM1):c.108C>A (p.Ser36Arg)

Gene: TPM1 (tropomyosin 1; plus strand). Cytogenetic location: 15q22.2.
Variant type: single nucleotide variant.
Coding change: c.108C>A on transcript NM_001018005.2 (MANE Select); coding-DNA position 108, C replaced by A.
Protein change: p.Ser36Arg; replaces serine 36 with arginine.
Molecular consequence: missense variant. On other transcripts: non-coding transcript variant (11).
Genome position (GRCh38, 1-based): chr15:63,042,937, C>A. VCF-style: chr15-63042937-C-A. GRCh37 (hg19) VCF-style: chr15-63335136-C-A.
Other names: c.108C>A, p.Ser36Arg (NM_000366.6, NM_001018004.2, NM_001018006.2 and 24 more transcripts); short protein forms S36R.
Identifiers: ClinVar variation 2746033 (VCV002746033.3), dbSNP rs2542413238, ClinGen allele CA392718162.
Genomic context (GRCh38, chr15:63,042,937, plus strand): 5'-GAACGCCTTGGATCGAGCTGAGCAGGCGGAGGCCGACAAGAAGGCGGCGGAAGACAGGAG[C>A]AAGCAGGTCTGCGCCTCCCCGGCCCTGCGCCCGCGCCCAGAGCGCCGGGACTCGAGCCTG-3'
Protein context (NP_001018005.1, residues 26-46): EADKKAAEDR[Ser36Arg]KQLEDELVSL

ClinVar aggregate classification (germline): Uncertain significance (1 of 4 stars; one submission).

Conditions:
Hypertrophic cardiomyopathy. Also called: HYPERTROPHIC MYOCARDIOPATHY. Identifiers: Orphanet 217569, MedGen C0007194, MeSH D002312, MONDO:0005045, HP:0001639.

Allele frequency attached by ClinVar (database versions not stated): gnomAD exomes below 0.00001.
gnomAD v4.1: 1 of 1,598,952 alleles (0.000063%); highest among the groups gnomAD compares: Non-Finnish European, 0.000085%; no homozygotes.

Submission:

Labcorp Genetics (formerly Invitae), Labcorp
Classification: Uncertain significance for Hypertrophic cardiomyopathy. Last evaluated: 2023-05-23. Review status: criteria provided, single submitter. Criteria: Invitae Variant Classification Sherloc (09022015). Collection method: clinical testing. Allele origin: germline.
Comment: In summary, the available evidence is currently insufficient to determine the role of this variant in disease. Therefore, it has been classified as a Variant of Uncertain Significance. An algorithm developed to predict the effect of missense changes on protein structure and function (PolyPhen-2) suggests that this variant is likely to be tolerated. This variant has not been reported in the literature in individuals affected with TPM1-related conditions. This variant is not present in population databases (gnomAD no frequency). This sequence change replaces serine, which is neutral and polar, with arginine, which is basic and polar, at codon 36 of the TPM1 protein (p.Ser36Arg).